The following is an entry in ClinVar:

NM_030962.4(SBF2):c.2337C>T (p.Ser779=)

Genes: SBF2 (SET binding factor 2; minus strand), LOC101928008 (uncharacterized LOC101928008; plus strand). Cytogenetic location: 11p15.4.
Variant type: single nucleotide variant.
Coding change: c.2337C>T on transcript NM_030962.4 (MANE Select); coding-DNA position 2337, C replaced by T.
Protein change: p.Ser779=; no amino-acid change (serine 779 retained).
Molecular consequence: synonymous variant.
Genome position (GRCh38, 1-based): chr11:9,856,484, G>A on the plus strand (C>T on the coding strand, the complement: SBF2 is on the minus strand). VCF-style: chr11-9856484-G-A. GRCh37 (hg19) VCF-style: chr11-9878031-G-A.
Other names: c.2337C>T, p.Ser779= (NM_001386339.1); c.2208C>T, p.Ser736= (NM_001386342.1).
Identifiers: ClinVar variation 241609 (VCV000241609.29), dbSNP rs140730386, ClinGen allele CA5881588.

ClinVar aggregate classification (germline): Benign/Likely benign. Review status: criteria provided, multiple submitters, no conflicts (2 of 4 stars). 10 submissions from 10 submitters: Benign (5); Likely benign (5). Last evaluated 2026-03-01.

Conditions:
Inborn genetic diseases. Identifiers: MedGen C0950123, MeSH D030342.
Charcot-Marie-Tooth disease. Also called: Charcot-Marie-Tooth Neuropathy; Charcot-Marie-Tooth Hereditary Neuropathy. Identifiers: Orphanet 166, MedGen C0007959, MONDO:0015626.
Charcot-Marie-Tooth disease type 4. Also called: Charcot-Marie-Tooth, Type 4; Charcot-Marie-Tooth disease, type IV. Identifiers: Orphanet 64749, MedGen C4082197, MONDO:0018995.
Charcot-Marie-Tooth disease type 4B2. Also called: Charcot-Marie-Tooth Neuropathy Type 4B2; CHARCOT-MARIE-TOOTH DISEASE, WITH FOCALLY FOLDED MYELIN SHEATHS, AUTOSOMAL RECESSIVE, TYPE 4B2; CMT 4B2; CHARCOT-MARIE-TOOTH DISEASE, DEMYELINATING, TYPE 4B2. Identifiers: Orphanet 99956, MedGen C1858278, MONDO:0011475, OMIM 604563.

Allele frequency attached by ClinVar (database versions not stated): gnomAD exomes 0.00042 and 0.00087; 1000 Genomes Project 0.00080; ExAC 0.00086; 1000 Genomes Project 30x 0.00109; gnomAD 0.00135 and 0.00144; TOPMed 0.00156; ESP Exome Variant Server 0.00200.
gnomAD v4.1: 872 of 1,614,042 alleles (0.054%); highest among the groups gnomAD compares: African/African-American, 0.31%; 3 homozygotes.

Submissions (10):

CeGaT Center for Human Genetics Tuebingen
Classification: Likely benign. Last evaluated: 2026-03-01. Review status: criteria provided, single submitter. Criteria: CeGaT Center For Human Genetics Tuebingen Variant Classification Criteria Version 2. Collection method: clinical testing. Allele origin: germline. Affected: yes. Observed: 1 variant allele.
Comment: SBF2: BP4, BP7

Labcorp Genetics (formerly Invitae), Labcorp
Classification: Benign for Charcot-Marie-Tooth disease type 4. Last evaluated: 2026-01-29. Review status: criteria provided, single submitter. Criteria: Invitae Variant Classification Sherloc (09022015). Collection method: clinical testing. Allele origin: germline.

ARUP Laboratories, Molecular Genetics and Genomics, ARUP Laboratories
Classification: Benign for Charcot-Marie-Tooth disease type 4B2. Last evaluated: 2025-02-10. Review status: criteria provided, single submitter. Criteria: ARUP Molecular Germline Variant Investigation Process 2024. Collection method: clinical testing. Allele origin: germline.

Blueprint Genetics
Classification: Likely benign. Last evaluated: 2024-09-24. Review status: criteria provided, single submitter. Criteria: ACMG Guidelines, 2015. Collection method: clinical testing. Allele origin: germline.

Athena Diagnostics
Classification: Benign. Last evaluated: 2021-04-06. Review status: criteria provided, single submitter. Criteria: Athena Diagnostics criteria. Collection method: clinical testing. Allele origin: unknown.

GeneDx
Classification: Likely benign. Last evaluated: 2020-12-29. Review status: criteria provided, single submitter. Criteria: GeneDx Variant Classification Process June 2021. Collection method: clinical testing. Allele origin: germline. Affected: yes.

Genetic Services Laboratory, University of Chicago
Classification: Benign. Last evaluated: 2019-07-24. Review status: criteria provided, single submitter. Criteria: ACMG Guidelines, 2015. Collection method: clinical testing. Allele origin: germline. Affected: no.

Ambry Genetics
Classification: Likely benign for Inborn genetic diseases. Last evaluated: 2019-07-11. Review status: criteria provided, single submitter. Criteria: Ambry Variant Classification Scheme 2023. Collection method: clinical testing. Allele origin: germline.

Illumina Laboratory Services, Illumina
Classification: Likely benign for Charcot-Marie-Tooth disease type 4B2. Last evaluated: 2018-01-13. Review status: criteria provided, single submitter. Criteria: ICSL Variant Classification Criteria 13 December 2019. Collection method: clinical testing. Allele origin: germline.
Comment: This variant was observed in the ICSL laboratory as part of a predisposition screen in an ostensibly healthy population. It had not been previously curated by ICSL or reported in the Human Gene Mutation Database (HGMD: prior to June 1st, 2018), and was therefore a candidate for classification through an automated scoring system. Utilizing variant allele frequency, disease prevalence and penetrance estimates, and inheritance mode, an automated score was calculated to assess if this variant is too frequent to cause the disease. Based on the score and internal cut-off values, a variant classified as likely benign is not then subjected to further curation. The score for this variant resulted in a classification of likely benign for this disease.

Molecular Genetics Laboratory, London Health Sciences Centre
Classification: Benign for Charcot-Marie-Tooth disease. Review status: criteria provided, single submitter. Criteria: ACMG Guidelines, 2015. Collection method: clinical testing. Allele origin: germline. Affected: yes.